The following is an entry in ClinVar:

ClinVar aggregate classification (germline): Uncertain significance (1 of 4 stars; one submission).

Conditions:
Inborn genetic diseases. Identifiers: MedGen C0950123, MeSH D030342.

gnomAD v4.1: 4 of 1,612,718 alleles (0.00025%); highest among the groups gnomAD compares: South Asian, 0.0011%; no homozygotes.

Submission:

Ambry Genetics
Classification: Uncertain significance for Inborn genetic diseases. Last evaluated: 2024-04-17. Review status: criteria provided, single submitter. Criteria: Ambry Variant Classification Scheme 2023. Collection method: clinical testing. Allele origin: germline.
Comment: The p.D2231V variant (also known as c.6692A>T), located in coding exon 40 of the ATR gene, results from an A to T substitution at nucleotide position 6692. The aspartic acid at codon 2231 is replaced by valine, an amino acid with highly dissimilar properties. This amino acid position is conserved. In addition, this alteration is predicted to be deleterious by in silico analysis. Since supporting evidence is limited at this time, the clinical significance of this alteration remains unclear.

NM_001184.4(ATR):c.6692A>T (p.Asp2231Val)

Gene: ATR (ATR checkpoint kinase; minus strand). Cytogenetic location: 3q23.
Variant type: single nucleotide variant.
Coding change: c.6692A>T on transcript NM_001184.4 (MANE Select); coding-DNA position 6692, A replaced by T.
Protein change: p.Asp2231Val; replaces aspartic acid 2231 with valine.
Molecular consequence: missense variant.
Genome position (GRCh38, 1-based): chr3:142,466,529, T>A on the plus strand (A>T on the coding strand, the complement: ATR is on the minus strand). VCF-style: chr3-142466529-T-A. GRCh37 (hg19) VCF-style: chr3-142185371-T-A.
Other names: c.6500A>T, p.Asp2167Val (NM_001354579.2); short protein forms D2231V, D2167V.
Identifiers: ClinVar variation 1754918 (VCV001754918.3), dbSNP rs750933906, ClinGen allele CA354802365.